The following is an entry in ClinVar:

NM_005912.3(MC4R):c.668T>C (p.Ile223Thr)

Gene: MC4R (melanocortin 4 receptor; minus strand). Cytogenetic location: 18q21.32.
Variant type: single nucleotide variant.
Coding change: c.668T>C on transcript NM_005912.3 (MANE Select); coding-DNA position 668, T replaced by C.
Protein change: p.Ile223Thr; replaces isoleucine 223 with threonine.
Molecular consequence: missense variant.
Genome position (GRCh38, 1-based): chr18:60,371,682, A>G on the plus strand (T>C on the coding strand, the complement: MC4R is on the minus strand). VCF-style: chr18-60371682-A-G. GRCh37 (hg19) VCF-style: chr18-58038915-A-G.
Other names: short protein forms I223T.
Identifiers: ClinVar variation 4994519 (VCV004994519.1).
Genomic context (GRCh38, chr18:60,371,682, plus strand): 5'-CCCTTCATATTGGCACCTTGGCGGATGGCACCAGTGCCGGGGAGGACAGCAATCCTCTTA[A>G]TGTGAAGCCTGGCCATCAGGAACATGTGGACATAGAGAGAAGCCATGAGAGCCAGCATGG-3'
Protein context (NP_005903.2, residues 213-233): VHMFLMARLH[Ile223Thr]KRIAVLPGTG

ClinVar aggregate classification (germline): Uncertain significance (1 of 4 stars; one submission).

Conditions:
MC4R-related disorder. Also called: MC4R-related condition.

Submission:

PreventionGenetics, part of Exact Sciences
Classification: Uncertain significance for MC4R-related condition. Last evaluated: 2026-06-17. Review status: criteria provided, single submitter. Criteria: ACMG Guidelines, 2015. Collection method: clinical testing. Allele origin: germline.
Comment: The MC4R c.668T>C variant is predicted to result in the amino acid substitution p.Ile223Thr. To our knowledge, this variant has not been reported in the literature or in a large population database (gnomAD), indicating this variant is rare. At this time, the clinical significance of this variant is uncertain due to the absence of conclusive functional and genetic evidence.